The following is an entry in ClinVar:

ClinVar aggregate classification (germline): Uncertain significance (1 of 4 stars; one submission).

Allele frequency attached by ClinVar (database versions not stated): gnomAD exomes 0.00001.
gnomAD v4.1: 12 of 1,554,100 alleles (0.00077%); highest among the groups gnomAD compares: Non-Finnish European, 0.001%; no homozygotes.

Submission:

Labcorp Genetics (formerly Invitae), Labcorp
Classification: Uncertain significance. Last evaluated: 2022-08-07. Review status: criteria provided, single submitter. Criteria: Invitae Variant Classification Sherloc (09022015). Collection method: clinical testing. Allele origin: germline.
Comment: This sequence change replaces phenylalanine, which is neutral and non-polar, with leucine, which is neutral and non-polar, at codon 198 of the TCIRG1 protein (p.Phe198Leu). This variant is present in population databases (no rsID available, gnomAD 0.002%). This variant has not been reported in the literature in individuals affected with TCIRG1-related conditions. ClinVar contains an entry for this variant (Variation ID: 1450393). Algorithms developed to predict the effect of missense changes on protein structure and function (SIFT, PolyPhen-2, Align-GVGD) all suggest that this variant is likely to be tolerated. In summary, the available evidence is currently insufficient to determine the role of this variant in disease. Therefore, it has been classified as a Variant of Uncertain Significance.

NM_006019.4(TCIRG1):c.592T>C (p.Phe198Leu)

Gene: TCIRG1 (T cell immune regulator 1, ATPase H+ transporting V0 subunit a3; plus strand). Cytogenetic location: 11q13.2.
Variant type: single nucleotide variant.
Coding change: c.592T>C on transcript NM_006019.4 (MANE Select); coding-DNA position 592, T replaced by C.
Protein change: p.Phe198Leu; replaces phenylalanine 198 with leucine.
Molecular consequence: missense variant. On other transcripts: 5 prime UTR variant (2).
Genome position (GRCh38, 1-based): chr11:68,043,459, T>C. VCF-style: chr11-68043459-T-C. GRCh37 (hg19) VCF-style: chr11-67810926-T-C.
Other names: c.-319T>C (NM_001351059.2); c.-57T>C (NM_006053.4); short protein forms F198L.
Identifiers: ClinVar variation 1450393 (VCV001450393.3), dbSNP rs1342775041, ClinGen allele CA381577278.